The following is an entry in ClinVar:

ClinVar aggregate classification (germline): Pathogenic/Likely pathogenic. Review status: criteria provided, multiple submitters, no conflicts (2 of 4 stars). 2 submissions from 2 submitters: Pathogenic (1); Likely pathogenic (1). Last evaluated 2023-03-12.

Conditions:
Hemochromatosis type 3 (HFE3). Also called: TFR2-Related Hemochromatosis; HEMOCHROMATOSIS DUE TO DEFECT IN TRANSFERRIN RECEPTOR 2; Hereditary hemochromatosis type 3. Identifiers: Orphanet 225123, MedGen C1858664, MONDO:0011417, OMIM 604250.
Hereditary hemochromatosis (HFE). Identifiers: MedGen C0392514, MONDO:0006507. Disease mechanism: loss of function.

Submissions (2):

Labcorp Genetics (formerly Invitae), Labcorp
Classification: Pathogenic for Hereditary hemochromatosis. Last evaluated: 2023-03-12. Review status: criteria provided, single submitter. Criteria: Invitae Variant Classification Sherloc (09022015). Collection method: clinical testing. Allele origin: germline.
Comment: For these reasons, this variant has been classified as Pathogenic. Algorithms developed to predict the effect of sequence changes on RNA splicing suggest that this variant may disrupt the consensus splice site. ClinVar contains an entry for this variant (Variation ID: 1389891). This variant is also known as c.33+1del. This variant has not been reported in the literature in individuals affected with TFR2-related conditions. This variant is not present in population databases (gnomAD no frequency). This sequence change creates a premature translational stop signal (p.Gln12Asnfs*45) in the TFR2 gene. It is expected to result in an absent or disrupted protein product. Loss-of-function variants in TFR2 are known to be pathogenic (PMID: 23600741, 26029709).

Baylor Genetics
Classification: Likely pathogenic for Hemochromatosis type 3. Last evaluated: 2022-07-26. Review status: criteria provided, single submitter. Criteria: ACMG Guidelines, 2015. Collection method: clinical testing. Allele origin: unknown.

Literature cited by the submitters: PubMed 23600741 (cited by Labcorp Genetics (formerly Invitae), Labcorp); PubMed 26029709 (cited by Labcorp Genetics (formerly Invitae), Labcorp).

NM_003227.4(TFR2):c.33+1del

Gene: TFR2 (transferrin receptor 2; minus strand). Cytogenetic location: 7q22.1.
Variant type: Deletion.
Coding change: c.33+1del on transcript NM_003227.4 (MANE Select); the canonical splice donor site of the intron after coding-DNA position 33, one base deleted (G; older notation c.33+1delG).
Molecular consequence: splice donor variant.
Genome position (GRCh38, 1-based): chr7:100,641,476, C deleted on the plus strand (G on the coding strand, the reverse complement: TFR2 is on the minus strand); the first of 2 consecutive C bases (chr7:100,641,476-100,641,477); deleting either gives the same sequence. VCF-style (leftmost placement, unchanged base first): chr7-100641475-AC-A. GRCh37 (hg19) VCF-style: chr7-100239098-AC-A.
Identifiers: ClinVar variation 1389891 (VCV001389891.9), dbSNP rs1803699632, ClinGen allele CA2497214461.